The following is an entry in ClinVar:

ClinVar aggregate classification (germline): Uncertain significance. Review status: criteria provided, multiple submitters, no conflicts (2 of 4 stars). 3 submissions from 3 submitters: Uncertain significance (2). 1 of the submissions does not count toward it. Last evaluated 2025-10-01.

Conditions:
Inborn genetic diseases. Identifiers: MedGen C0950123, MeSH D030342.
Autosomal recessive limb-girdle muscular dystrophy type 2O. Also called: Limb-Girdle Muscular Dystrophy Type 3C; MUSCULAR DYSTROPHY-DYSTROGLYCANOPATHY, LIMB-GIRDLE, POMGNT1-RELATED; MUSCULAR DYSTROPHY-DYSTROGLYCANOPATHY (LIMB-GIRDLE), TYPE C, 3. Identifiers: Orphanet 206564, MedGen C3150417, MONDO:0013161, OMIM 613157.
Muscular dystrophy-dystroglycanopathy (congenital with impaired intellectual development), type B, 3. Also called: Muscular dystrophy-dystroglycanopathy (congenital with intellectual disability), type B3; MUSCULAR DYSTROPHY, CONGENITAL, POMGNT1-RELATED. Identifiers: MedGen C3150412, MONDO:0013155, OMIM 613151.
Muscle eye brain disease (MEB). Also called: Santavuori congenital muscular dystrophy. Identifiers: Orphanet 588, Orphanet 899, MedGen C0457133, MONDO:0018939.

Allele frequency attached by ClinVar (database versions not stated): TOPMed 0.00003; gnomAD exomes below 0.00001; gnomAD 0.00001.
gnomAD v4.1: 4 of 1,613,750 alleles (0.00025%); highest among the groups gnomAD compares: Admixed American, 0.0067%; no homozygotes.

Submissions (3):

Labcorp Genetics (formerly Invitae), Labcorp
Classification: Uncertain significance for Autosomal recessive limb-girdle muscular dystrophy type 2O; Muscular dystrophy-dystroglycanopathy (congenital with impaired intellectual development), type B, 3. Last evaluated: 2025-10-01. Review status: criteria provided, single submitter. Criteria: Invitae Variant Classification Sherloc (09022015). Collection method: clinical testing. Allele origin: germline.
Comment: This sequence change replaces proline, which is neutral and non-polar, with leucine, which is neutral and non-polar, at codon 637 of the POMGNT1 protein (p.Pro637Leu). This variant is present in population databases (no rsID available, gnomAD 0.003%). This variant has not been reported in the literature in individuals affected with POMGNT1-related conditions. ClinVar contains an entry for this variant (Variation ID: 652677). Invitae Evidence Modeling of protein sequence and biophysical properties (such as structural, functional, and spatial information, amino acid conservation, physicochemical variation, residue mobility, and thermodynamic stability) indicates that this missense variant is not expected to disrupt POMGNT1 protein function with a negative predictive value of 95%. In summary, the available evidence is currently insufficient to determine the role of this variant in disease. Therefore, it has been classified as a Variant of Uncertain Significance.

Ambry Genetics
Classification: Uncertain significance for Inborn genetic diseases. Last evaluated: 2024-12-06. Review status: criteria provided, single submitter. Criteria: Ambry Variant Classification Scheme 2023. Collection method: clinical testing. Allele origin: germline.

Natera, Inc.
Classification: Uncertain significance for Muscle-eye-brain disease. Last evaluated: 2021-06-23. Review status: no assertion criteria provided. Collection method: clinical testing. Allele origin: germline. Not counted in ClinVar's aggregate classification.

NM_017739.4(POMGNT1):c.1910C>T (p.Pro637Leu)

Genes: POMGNT1 (protein O-linked mannose N-acetylglucosaminyltransferase 1 (beta 1,2-); minus strand), TSPAN1 (tetraspanin 1; plus strand). Cytogenetic location: 1p34.1.
Variant type: single nucleotide variant.
Coding change: c.1910C>T on transcript NM_017739.4 (MANE Select); coding-DNA position 1910, C replaced by T.
Protein change: p.Pro637Leu; replaces proline 637 with leucine.
Molecular consequence: missense variant. On other transcripts: synonymous variant (1), intron variant (1).
Genome position (GRCh38, 1-based): chr1:46,189,343, G>A on the plus strand (C>T on the coding strand, the complement: POMGNT1 is on the minus strand). VCF-style: chr1-46189343-G-A. GRCh37 (hg19) VCF-style: chr1-46655015-G-A.
Other names: c.1884C>T, p.Thr628= (NM_001243766.2); c.1844C>T, p.Pro615Leu (NM_001290129.3); c.1481C>T, p.Pro494Leu (NM_001290130.2); c.1895+115C>T (NM_001410783.1); short protein forms P615L, P637L, P494L.
Identifiers: ClinVar variation 652677 (VCV000652677.9), dbSNP rs1467007123, ClinGen allele CA340170512.